The following is an entry in ClinVar:

ClinVar aggregate classification (germline): Likely benign (0 of 4 stars; one submission).

Conditions:
ZNF592-related disorder. Also called: ZNF592-related condition.

gnomAD v4.1: 79 of 1,613,858 alleles (0.0049%); highest among the groups gnomAD compares: Non-Finnish European, 0.0062%; no homozygotes.

Submission:

PreventionGenetics, part of Exact Sciences
Classification: Likely benign for ZNF592-related condition. Last evaluated: 2019-05-08. Review status: no assertion criteria provided. Collection method: clinical testing. Allele origin: germline.
Comment: This variant is classified as likely benign based on ACMG/AMP sequence variant interpretation guidelines (Richards et al. 2015 PMID: 25741868, with internal and published modifications).

NM_014630.3(ZNF592):c.2802C>T (p.Ser934=)

Gene: ZNF592 (zinc finger protein 592; plus strand). Cytogenetic location: 15q25.3.
Variant type: single nucleotide variant.
Coding change: c.2802C>T on transcript NM_014630.3 (MANE Select); coding-DNA position 2802, C replaced by T.
Protein change: p.Ser934=; no amino-acid change (serine 934 retained).
Molecular consequence: synonymous variant.
Genome position (GRCh38, 1-based): chr15:84,798,653, C>T. VCF-style: chr15-84798653-C-T. GRCh37 (hg19) VCF-style: chr15-85341884-C-T.
Identifiers: ClinVar variation 3352618 (VCV003352618.1).